The following is an entry in ClinVar:

ClinVar aggregate classification (germline): Conflicting classifications of pathogenicity. Review status: criteria provided, conflicting classifications (1 of 4 stars). 4 submissions from 4 submitters: Uncertain significance (1); Benign (1); Likely benign (1). 1 of the submissions does not count toward it. Last evaluated 2026-01-17.

Conditions:
ADAMTS17-related disorder. Also called: ADAMTS17-related condition.
Weill-Marchesani 4 syndrome, recessive. Also called: Weill-Marchesani syndrome 4. Identifiers: Orphanet 363992, MedGen C2750787, MONDO:0013176, OMIM 613195.

Allele frequency attached by ClinVar (database versions not stated): TOPMed 0.00042; 1000 Genomes Project 30x 0.00047; 1000 Genomes Project 0.00060; ESP Exome Variant Server 0.00062; gnomAD 0.00132 and 0.00136; ExAC 0.00154; gnomAD exomes 0.00166.
gnomAD v4.1: 1,735 of 1,614,150 alleles (0.11%); highest among the groups gnomAD compares: Non-Finnish European, 0.076%; 8 homozygotes.

Submissions (4):

Labcorp Genetics (formerly Invitae), Labcorp
Classification: Benign. Last evaluated: 2026-01-17. Review status: criteria provided, single submitter. Criteria: Invitae Variant Classification Sherloc (09022015). Collection method: clinical testing. Allele origin: germline.

Blueprint Genetics
Classification: Likely benign. Last evaluated: 2024-11-25. Review status: criteria provided, single submitter. Criteria: ACMG Guidelines, 2015. Collection method: clinical testing. Allele origin: germline.

Illumina Laboratory Services, Illumina
Classification: Uncertain significance for Weill-Marchesani 4 syndrome, recessive. Last evaluated: 2018-01-13. Review status: criteria provided, single submitter. Criteria: ICSL Variant Classification Criteria 13 December 2019. Collection method: clinical testing. Allele origin: germline.

PreventionGenetics, part of Exact Sciences
Classification: Benign for ADAMTS17-related condition. Last evaluated: 2019-07-15. Review status: no assertion criteria provided. Collection method: clinical testing. Allele origin: germline. Not counted in ClinVar's aggregate classification.
Comment: This variant is classified as benign based on ACMG/AMP sequence variant interpretation guidelines (Richards et al. 2015 PMID: 25741868, with internal and published modifications).

NM_139057.4(ADAMTS17):c.2150C>T (p.Ser717Leu)

Gene: ADAMTS17 (ADAM metallopeptidase with thrombospondin type 1 motif 17; minus strand). Cytogenetic location: 15q26.3.
Variant type: single nucleotide variant.
Coding change: c.2150C>T on transcript NM_139057.4 (MANE Select); coding-DNA position 2150, C replaced by T.
Protein change: p.Ser717Leu; replaces serine 717 with leucine.
Molecular consequence: missense variant.
Genome position (GRCh38, 1-based): chr15:100,054,042, G>A on the plus strand (C>T on the coding strand, the complement: ADAMTS17 is on the minus strand). VCF-style: chr15-100054042-G-A. GRCh37 (hg19) VCF-style: chr15-100594247-G-A.
Other names: short protein forms S717L.
Identifiers: ClinVar variation 722145 (VCV000722145.15), dbSNP rs143817747, ClinGen allele CA7757840.